The following is an entry in ClinVar:

ClinVar aggregate classification (germline): Uncertain significance (1 of 4 stars; one submission).

Submission:

Labcorp Genetics (formerly Invitae), Labcorp
Classification: Uncertain significance. Last evaluated: 2025-08-27. Review status: criteria provided, single submitter. Criteria: Invitae Variant Classification Sherloc (09022015). Collection method: clinical testing. Allele origin: germline.
Comment: This sequence change creates a premature translational stop signal (p.Ala463Cysfs*30) in the GSN gene. It is expected to result in an absent or disrupted protein product. However, the current clinical and genetic evidence is not sufficient to establish whether loss-of-function variants in GSN cause disease. This variant is not present in population databases (gnomAD no frequency). This variant has not been reported in the literature in individuals affected with GSN-related conditions. ClinVar contains an entry for this variant (Variation ID: 3646776). In summary, the available evidence is currently insufficient to determine the role of this variant in disease. Therefore, it has been classified as a Variant of Uncertain Significance.

NM_198252.3(GSN):c.1232dup (p.Ala412fs)

Gene: GSN (gelsolin; plus strand). Cytogenetic location: 9q33.2.
Variant type: Duplication.
Coding change: c.1232dup on transcript NM_198252.3 (MANE Select); coding-DNA position 1232, one base duplicated (C; older notation c.1232dupC).
Protein change: p.Ala412fs; shifts the reading frame from alanine 412.
Molecular consequence: frameshift variant.
Genome position (GRCh38, 1-based): chr9:121,321,308, C duplicated; the last of 3 consecutive C bases (chr9:121,321,306-121,321,308); duplicating any one gives the same sequence. VCF-style (leftmost placement, unchanged base first): chr9-121321305-A-AC. GRCh37 (hg19) VCF-style: chr9-124083583-A-AC.
Other names: c.1385dup, p.Ala463fs (NM_000177.5); c.1232dup, p.Ala412fs (NM_001127662.2, NM_001127664.2, NM_001127665.2 and 10 more transcripts); c.1340dup, p.Ala448fs (NM_001127663.2); c.1265dup, p.Ala423fs (NM_001127666.2, NM_001127667.2, NM_001353063.2 and 13 more transcripts); c.1283dup, p.Ala429fs (NM_001258029.2); c.1256dup, p.Ala420fs (NM_001258030.2); c.1304dup, p.Ala436fs (NM_001353076.2); c.578dup, p.Ala194fs (NM_001353078.2); short protein forms A423fs, A448fs, A463fs, A412fs, A429fs, A436fs, A194fs, A420fs.
Identifiers: ClinVar variation 3646776 (VCV003646776.2).